The following is an entry in ClinVar:

ClinVar aggregate classification (germline): Uncertain significance (1 of 4 stars; one submission).

Conditions:
Inborn genetic diseases. Identifiers: MedGen C0950123, MeSH D030342.

Submission:

Ambry Genetics
Classification: Uncertain significance for Inborn genetic diseases. Last evaluated: 2026-08-10. Review status: criteria provided, single submitter. Criteria: Ambry Variant Classification Scheme 2023. Collection method: clinical testing. Allele origin: germline.
Comment: The p.K195T variant (also known as c.584A>C), located in coding exon 4 of the SBDS gene, results from an A to C substitution at nucleotide position 584. The lysine at codon 195 is replaced by threonine, an amino acid with similar properties. This amino acid position is conserved. In addition, the in silico prediction for this alteration is inconclusive. Based on the available evidence, the clinical significance of this variant remains unclear.

NM_016038.4(SBDS):c.584A>C (p.Lys195Thr)

Gene: SBDS (SBDS ribosome maturation factor; minus strand). Cytogenetic location: 7q11.21.
Variant type: single nucleotide variant.
Coding change: c.584A>C on transcript NM_016038.4 (MANE Select); coding-DNA position 584, A replaced by C.
Protein change: p.Lys195Thr; replaces lysine 195 with threonine.
Molecular consequence: missense variant.
Genome position (GRCh38, 1-based): chr7:66,991,177, T>G on the plus strand (A>C on the coding strand, the complement: SBDS is on the minus strand). VCF-style: chr7-66991177-T-G. GRCh37 (hg19) VCF-style: chr7-66456164-T-G.
Other names: short protein forms K195T.
Identifiers: ClinVar variation 5029038 (VCV005029038.1).
Genomic context (GRCh38, chr7:66,991,177, plus strand): 5'-AGAAAATATTTGACTCTTACGATTTCTAACTGTTGGCCATAATCTTCACTTTCTATGACC[T>G]TGATCAGTGGCTTGAGCTTTTCTTTCAGCTTCTTGCCTTCATTGACTGGAAGGATGAACC-3'
Protein context (NP_057122.2, residues 185-205): KLKEKLKPLI[Lys195Thr]VIESEDYGQQ